The following is an entry in ClinVar:

ClinVar aggregate classification (germline): Pathogenic (1 of 4 stars; one submission).

Conditions:
Alstrom syndrome (ALMS). Identifiers: Orphanet 64, MedGen C0268425, MONDO:0008763, OMIM 203800.

Submission:

Labcorp Genetics (formerly Invitae), Labcorp
Classification: Pathogenic for Alstrom syndrome. Last evaluated: 2021-08-24. Review status: criteria provided, single submitter. Criteria: Invitae Variant Classification Sherloc (09022015). Collection method: clinical testing. Allele origin: germline.
Comment: For these reasons, this variant has been classified as Pathogenic. This variant has not been reported in the literature in individuals affected with ALMS1-related conditions. This variant is not present in population databases (ExAC no frequency). This sequence change creates a premature translational stop signal (p.Leu2157*) in the ALMS1 gene. It is expected to result in an absent or disrupted protein product. Loss-of-function variants in ALMS1 are known to be pathogenic (PMID: 17594715).

Literature cited by the submitters: PubMed 17594715.

NM_001378454.1(ALMS1):c.6467T>A (p.Leu2156Ter)

Gene: ALMS1 (ALMS1 centrosome and basal body associated protein; plus strand). Cytogenetic location: 2p13.1.
Variant type: single nucleotide variant.
Coding change: c.6467T>A on transcript NM_001378454.1 (MANE Select); coding-DNA position 6467, T replaced by A.
Protein change: p.Leu2156Ter; replaces leucine 2156 with a stop codon.
Molecular consequence: nonsense.
Genome position (GRCh38, 1-based): chr2:73,452,994, T>A. VCF-style: chr2-73452994-T-A. GRCh37 (hg19) VCF-style: chr2-73680121-T-A.
Other names: c.6470T>A, p.Leu2157Ter (NM_015120.4); short protein forms L2157*, L2156*.
Identifiers: ClinVar variation 1452248 (VCV001452248.6), dbSNP rs2103790206, ClinGen allele CA347287890.